The following is an entry in ClinVar:

NM_004655.4(AXIN2):c.816-3T>C

Gene: AXIN2 (axin 2; minus strand). Cytogenetic location: 17q24.1.
Variant type: single nucleotide variant.
Coding change: c.816-3T>C on transcript NM_004655.4 (MANE Select); 3 bases into the intron before coding-DNA position 816, T replaced by C.
Molecular consequence: intron variant.
Genome position (GRCh38, 1-based): chr17:65,549,663, A>G on the plus strand (T>C on the coding strand, the complement: AXIN2 is on the minus strand). VCF-style: chr17-65549663-A-G. GRCh37 (hg19) VCF-style: chr17-63545781-A-G.
Other names: c.816-3T>C (NM_001363813.1).
Identifiers: ClinVar variation 1350325 (VCV001350325.7), dbSNP rs2144540279, ClinGen allele CA2573154864.

ClinVar aggregate classification (germline): Conflicting classifications of pathogenicity. Review status: criteria provided, conflicting classifications (1 of 4 stars). 2 submissions from 2 submitters: Uncertain significance (1); Likely benign (1). Last evaluated 2024-06-27.

Conditions:
Oligodontia-cancer predisposition syndrome. Also called: TOOTH AGENESIS-COLORECTAL CANCER SYNDROME. Identifiers: Orphanet 300576, MedGen C1837750, MONDO:0012075, OMIM 608615. Disease mechanism: loss of function.

Allele frequency attached by ClinVar (database versions not stated): gnomAD exomes below 0.00001.
gnomAD v4.1: 2 of 1,594,566 alleles (0.00013%); highest among the groups gnomAD compares: Non-Finnish European, 0.00017%; no homozygotes.

Submissions (2):

Myriad Genetics, Inc.
Classification: Likely benign for Oligodontia-cancer predisposition syndrome. Last evaluated: 2024-06-27. Review status: criteria provided, single submitter. Criteria: Myriad Autosomal Dominant, Autosomal Recessive and X-Linked Classification Criteria (2023). Collection method: clinical testing. Allele origin: unknown.
Comment: This variant is considered likely benign. This variant is intronic and is not expected to impact mRNA splicing.

Labcorp Genetics (formerly Invitae), Labcorp
Classification: Uncertain significance for Oligodontia-cancer predisposition syndrome. Last evaluated: 2023-12-10. Review status: criteria provided, single submitter. Criteria: Invitae Variant Classification Sherloc (09022015). Collection method: clinical testing. Allele origin: germline.
Comment: This sequence change falls in intron 2 of the AXIN2 gene. It does not directly change the encoded amino acid sequence of the AXIN2 protein. It affects a nucleotide within the consensus splice site. This variant is not present in population databases (gnomAD no frequency). This variant has not been reported in the literature in individuals affected with AXIN2-related conditions. ClinVar contains an entry for this variant (Variation ID: 1350325). Variants that disrupt the consensus splice site are a relatively common cause of aberrant splicing (PMID: 17576681, 9536098). Algorithms developed to predict the effect of sequence changes on RNA splicing suggest that this variant is not likely to affect RNA splicing. In summary, the available evidence is currently insufficient to determine the role of this variant in disease. Therefore, it has been classified as a Variant of Uncertain Significance.

Literature cited by the submitters: PubMed 17576681 (cited by Labcorp Genetics (formerly Invitae), Labcorp); PubMed 9536098 (cited by Labcorp Genetics (formerly Invitae), Labcorp).